The following is an entry in ClinVar:

NM_007294.4(BRCA1):c.3233C>T (p.Pro1078Leu)

Genes: BRCA1 (BRCA1 DNA repair associated; minus strand), LOC126862571 (BRD4-independent group 4 enhancer GRCh37_chr17:41243136-41244335; plus strand). Cytogenetic location: 17q21.31.
Variant type: single nucleotide variant.
Coding change: c.3233C>T on transcript NM_007294.4 (MANE Select); coding-DNA position 3233, C replaced by T.
Protein change: p.Pro1078Leu; replaces proline 1078 with leucine.
Molecular consequence: missense variant. On other transcripts: intron variant (137).
Genome position (GRCh38, 1-based): chr17:43,092,298, G>A on the plus strand (C>T on the coding strand, the complement: BRCA1 is on the minus strand). VCF-style: chr17-43092298-G-A. GRCh37 (hg19) VCF-style: chr17-41244315-G-A.
Other names: c.644-1266C>T (NM_001408470.1, NM_001408464.1, NM_001408468.1 and 3 more transcripts); c.647-1266C>T (NM_001408469.1, NM_001408453.1, NM_001408461.1 and 11 more transcripts); c.785-1266C>T (NM_001408397.1, NM_001408401.1, NM_001408396.1 and 13 more transcripts); c.665-1266C>T (NM_001408436.1, NM_001408444.1, NM_001408438.1 and 12 more transcripts); c.788-1266C>T (NM_001407980.1, NM_001407993.1, NM_001407976.1 and 17 more transcripts); c.653-1266C>T (NM_001408451.1); c.524-1266C>T (NM_001408498.1, NM_001408501.1, NM_001408500.1 and 3 more transcripts); c.584-1266C>T (NM_001408475.1); and 41 more; short protein forms P1007L, P1008L, P1010L, P1011L, P1030L, P1031L, P1036L, P1037L.
Identifiers: ClinVar variation 4856524 (VCV004856524.1).

ClinVar aggregate classification (germline): Likely benign (1 of 4 stars; one submission).

Conditions:
Breast-ovarian cancer, familial, susceptibility to, 1 (BROVCA1). Also called: OVARIAN CANCER, SUSCEPTIBILITY TO; BRCA1 Hereditary Breast and Ovarian Cancer. Identifiers: Orphanet 145, MedGen C2676676, MONDO:0011450, OMIM 604370. Disease mechanism: loss of function.

gnomAD v4.1: 1 of 1,613,724 alleles (0.000062%); highest among the groups gnomAD compares: South Asian, 0.0011%; no homozygotes.

Submission:

Cancer Bioinformatics and Tumour Evolution Laboratory, Monash University
Classification: Likely benign for Breast-ovarian cancer, familial, susceptibility to, 1. Last evaluated: 2026-05-01. Review status: criteria provided, single submitter. Criteria: ClinGen BRCA1 and BRCA2 Guidelines, 2024. Collection method: curation. Allele origin: germline. Inheritance: Autosomal dominant inheritance.
Comment: Missense variant outside of a functional domain with no splice impact. BRCA1 and BRCA2 VCEP guidelines recommend application of BP1_Strong (PMID: 39142283)